The following is an entry in ClinVar:

NM_001458.5(FLNC):c.2417C>A (p.Ala806Asp)

Gene: FLNC (filamin C; plus strand). Cytogenetic location: 7q32.1.
Variant type: single nucleotide variant.
Coding change: c.2417C>A on transcript NM_001458.5 (MANE Select); coding-DNA position 2417, C replaced by A.
Protein change: p.Ala806Asp; replaces alanine 806 with aspartic acid.
Molecular consequence: missense variant.
Genome position (GRCh38, 1-based): chr7:128,842,821, C>A. VCF-style: chr7-128842821-C-A. GRCh37 (hg19) VCF-style: chr7-128482875-C-A.
Other names: c.2417C>A, p.Ala806Asp (NM_001127487.2); short protein forms A806D.
Identifiers: ClinVar variation 2120053 (VCV002120053.4), dbSNP rs2536632059, ClinGen allele CA369191580.

ClinVar aggregate classification (germline): Uncertain significance (1 of 4 stars; one submission).

Conditions:
Myofibrillar myopathy 5. Also called: Filaminopathy (type); FILAMINOPATHY, AUTOSOMAL DOMINANT. Identifiers: Orphanet 171445, MedGen C1836050, MONDO:0012289, OMIM 609524.
Distal myopathy with posterior leg and anterior hand involvement. Also called: WILLIAMS DISTAL MYOPATHY. Identifiers: Orphanet 63273, MedGen C3279722, MONDO:0013550, OMIM 614065.
Hypertrophic cardiomyopathy 26. Also called: Cardiomyopathy, familial hypertrophic, 26. Identifiers: Orphanet 75249, MedGen C4310749, MONDO:0014883, OMIM 617047.

Submission:

Labcorp Genetics (formerly Invitae), Labcorp
Classification: Uncertain significance for Distal myopathy with posterior leg and anterior hand involvement; Myofibrillar myopathy 5; Hypertrophic cardiomyopathy 26. Last evaluated: 2022-03-31. Review status: criteria provided, single submitter. Criteria: Invitae Variant Classification Sherloc (09022015). Collection method: clinical testing. Allele origin: germline.
Comment: This variant is not present in population databases (gnomAD no frequency). This variant has not been reported in the literature in individuals affected with FLNC-related conditions. Algorithms developed to predict the effect of missense changes on protein structure and function are either unavailable or do not agree on the potential impact of this missense change (SIFT: "Tolerated"; PolyPhen-2: "Possibly Damaging"; Align-GVGD: "Class C0"). In summary, the available evidence is currently insufficient to determine the role of this variant in disease. Therefore, it has been classified as a Variant of Uncertain Significance. This sequence change replaces alanine, which is neutral and non-polar, with aspartic acid, which is acidic and polar, at codon 806 of the FLNC protein (p.Ala806Asp).